The following is an entry in ClinVar:

NM_000321.3(RB1):c.797A>G (p.Gln266Arg)

Gene: RB1 (RB transcriptional corepressor 1; plus strand). Cytogenetic location: 13q14.2.
Variant type: single nucleotide variant.
Coding change: c.797A>G on transcript NM_000321.3 (MANE Select); coding-DNA position 797, A replaced by G.
Protein change: p.Gln266Arg; replaces glutamine 266 with arginine.
Molecular consequence: missense variant.
Genome position (GRCh38, 1-based): chr13:48,362,893, A>G. VCF-style: chr13-48362893-A-G. GRCh37 (hg19) VCF-style: chr13-48937029-A-G.
Other names: c.797A>G, p.Gln266Arg (NM_001407165.1, NM_001407166.1); short protein forms Q266R.
Identifiers: ClinVar variation 3073057 (VCV003073057.5), dbSNP rs2138112518, ClinGen allele CA388159469.

ClinVar aggregate classification (germline): Uncertain significance. Review status: criteria provided, multiple submitters, no conflicts (2 of 4 stars). 3 submissions from 3 submitters: Uncertain significance (3). Last evaluated 2026-08-20.

Conditions:
Retinoblastoma (RB1). Also called: RETINOBLASTOMA, SOMATIC. Identifiers: Orphanet 790, MedGen C0035335, MeSH D012175, MONDO:0008380, OMIM 180200, HP:0009919. Disease mechanism: loss of function. Inheritance: Both sporadic and heritable forms are tested..
Hereditary cancer-predisposing syndrome. Also called: Tumor predisposition; Hereditary Cancer Syndrome; Neoplastic Syndromes, Hereditary; Hereditary neoplastic syndrome. Identifiers: Orphanet 140162, MedGen C0027672, MeSH D009386, MONDO:0015356.

Submissions (3):

Ambry Genetics
Classification: Uncertain significance for Hereditary cancer-predisposing syndrome. Last evaluated: 2026-08-20. Review status: criteria provided, single submitter. Criteria: Ambry Variant Classification Scheme 2023. Collection method: clinical testing. Allele origin: germline.
Comment: The p.Q266R variant (also known as c.797A>G), located in coding exon 8 of the RB1 gene, results from an A to G substitution at nucleotide position 797. The glutamine at codon 266 is replaced by arginine, an amino acid with highly similar properties. This amino acid position is highly conserved in available vertebrate species. In addition, this alteration is predicted to be deleterious by in silico analysis. Based on the available evidence, the clinical significance of this variant remains unclear.

Labcorp Genetics (formerly Invitae), Labcorp
Classification: Uncertain significance for Retinoblastoma. Last evaluated: 2024-06-24. Review status: criteria provided, single submitter. Criteria: Invitae Variant Classification Sherloc (09022015). Collection method: clinical testing. Allele origin: germline.
Comment: This sequence change replaces glutamine, which is neutral and polar, with arginine, which is basic and polar, at codon 266 of the RB1 protein (p.Gln266Arg). This variant is not present in population databases (gnomAD no frequency). This variant has not been reported in the literature in individuals affected with RB1-related conditions. Advanced modeling of protein sequence and biophysical properties (such as structural, functional, and spatial information, amino acid conservation, physicochemical variation, residue mobility, and thermodynamic stability) performed at Invitae indicates that this missense variant is not expected to disrupt RB1 protein function with a negative predictive value of 80%. In summary, the available evidence is currently insufficient to determine the role of this variant in disease. Therefore, it has been classified as a Variant of Uncertain Significance.

All of Us Research Program, National Institutes of Health
Classification: Uncertain significance for Retinoblastoma. Last evaluated: 2023-08-23. Review status: criteria provided, single submitter. Criteria: ACMG Guidelines, 2015. Collection method: clinical testing. Allele origin: germline. Inheritance: Autosomal dominant inheritance. Observed: 1 variant allele, 1 heterozygote.
Comment: This missense variant replaces glutamine with arginine at codon 266 of the RB1 protein. Computational prediction suggests that this variant may not impact protein structure and function (internally defined REVEL score threshold <= 0.5, PMID: 27666373). To our knowledge, functional studies have not been reported for this variant. This variant has not been reported in individuals affected with RB1-related disorders in the literature. This variant has not been identified in the general population by the Genome Aggregation Database (gnomAD). The available evidence is insufficient to determine the role of this variant in disease conclusively. Therefore, this variant is classified as a Variant of Uncertain Significance.

This study involves interpretation of variants in research participants for the purpose of population health screening. Participant phenotype was not available at the time of variant classification. Additional details can be found in publication PMID: 35346344, PMCID: PMC8962531